The following is an entry in ClinVar:

NM_178012.5(TUBB2B):c.1199G>A (p.Gly400Asp)

Gene: TUBB2B (tubulin beta 2B class IIb; minus strand). Cytogenetic location: 6p25.2.
Variant type: single nucleotide variant.
Coding change: c.1199G>A on transcript NM_178012.5 (MANE Select); coding-DNA position 1199, G replaced by A.
Protein change: p.Gly400Asp; replaces glycine 400 with aspartic acid.
Molecular consequence: missense variant.
Genome position (GRCh38, 1-based): chr6:3,224,890, C>T on the plus strand (G>A on the coding strand, the complement: TUBB2B is on the minus strand). VCF-style: chr6-3224890-C-T. GRCh37 (hg19) VCF-style: chr6-3225124-C-T.
Other names: short protein forms G400D.
Identifiers: ClinVar variation 4987438 (VCV004987438.1).
Genomic context (GRCh38, chr6:3,224,890, plus strand): 5'-GACACCAGGTCGTTCATGTTGCTCTCGGCCTCGGTGAACTCCATCTCGTCCATGCCCTCG[C>T]CCGTGTACCAGTGCAGGAAGGCCTTGCGCCGGAACATGGCCGTGAACTGCTCGGAGATGC-3'
Protein context (NP_821080.1, residues 390-410): RRKAFLHWYT[Gly400Asp]EGMDEMEFTE

ClinVar aggregate classification (germline): Uncertain significance (1 of 4 stars; one submission).

Conditions:
TUBB2B-related disorder. Also called: TUBB2B-related condition.

Submission:

PreventionGenetics, part of Exact Sciences
Classification: Uncertain significance for TUBB2B-related condition. Last evaluated: 2026-08-25. Review status: criteria provided, single submitter. Criteria: ACMG Guidelines, 2015. Collection method: clinical testing. Allele origin: germline.
Comment: The TUBB2B c.1199G>A variant is predicted to result in the amino acid substitution p.Gly400Asp. To our knowledge, this variant has not been reported in the literature or in a large population database (gnomAD), indicating this variant is rare. At this time, the clinical significance of this variant is uncertain due to the absence of conclusive functional and genetic evidence.